The following is an entry in ClinVar:

ClinVar aggregate classification (germline): Pathogenic (1 of 4 stars; one submission).

Submission:

Labcorp Genetics (formerly Invitae), Labcorp
Classification: Pathogenic. Last evaluated: 2025-07-23. Review status: criteria provided, single submitter. Criteria: Invitae Variant Classification Sherloc (09022015). Collection method: clinical testing. Allele origin: germline.
Comment: This sequence change creates a premature translational stop signal (p.Lys660Ilefs*10) in the DNM1L gene. It is expected to result in an absent or disrupted protein product. Loss-of-function variants in DNM1L are known to be pathogenic (PMID: 26825290, 27328748). This variant is not present in population databases (gnomAD no frequency). This variant has not been reported in the literature in individuals affected with DNM1L-related conditions. For these reasons, this variant has been classified as Pathogenic.

Literature cited by the submitters: PubMed 26825290; PubMed 27328748.

NM_012062.5(DNM1L):c.1979_1982del (p.Lys660fs)

Gene: DNM1L (dynamin 1 like; plus strand). Cytogenetic location: 12p11.21.
Variant type: Microsatellite.
Coding change: c.1979_1982del on transcript NM_012062.5 (MANE Select); coding-DNA positions 1979 to 1982, 4 bases deleted (AGAA; older notation c.1979_1982delAGAA).
Protein change: p.Lys660fs; shifts the reading frame from lysine 660.
Molecular consequence: frameshift variant.
Genome position (GRCh38, 1-based): chr12:32,740,503-32,740,506, AGAA deleted; deleting any 4 consecutive bases within chr12:32,740,499-32,740,506 gives the same sequence; the c. name uses the placement nearest the transcript's 3' end. VCF-style (leftmost placement, unchanged base first): chr12-32740498-CAGAA-C. GRCh37 (hg19) VCF-style: chr12-32893432-CAGAA-C.
Other names: c.1946_1949del, p.Lys649fs (NM_001278463.2); c.2018_2021del, p.Lys673fs (NM_001278464.2); c.1985_1988del, p.Lys662fs (NM_001278465.2); c.1370_1373del, p.Lys457fs (NM_001278466.2); c.1907_1910del, p.Lys636fs (NM_001330380.2); c.1868_1871del, p.Lys623fs (NM_005690.5); c.1901_1904del, p.Lys634fs (NM_012063.4); short protein forms K457fs, K623fs, K634fs, K636fs, K649fs, K660fs, K662fs, K673fs.
Identifiers: ClinVar variation 4798616 (VCV004798616.1).